The following is an entry in ClinVar:

NM_170606.3(KMT2C):c.250+16A>G

Gene: KMT2C (lysine methyltransferase 2C; minus strand). Cytogenetic location: 7q36.1.
Variant type: single nucleotide variant.
Coding change: c.250+16A>G on transcript NM_170606.3 (MANE Select); 16 bases into the intron after coding-DNA position 250, A replaced by G.
Molecular consequence: intron variant.
Genome position (GRCh38, 1-based): chr7:152,358,571, T>C on the plus strand (A>G on the coding strand, the complement: KMT2C is on the minus strand). VCF-style: chr7-152358571-T-C. GRCh37 (hg19) VCF-style: chr7-152055656-T-C.
Identifiers: ClinVar variation 1921176 (VCV001921176.7), dbSNP rs2097171010, ClinGen allele CA1753096588.

ClinVar aggregate classification (germline): Likely benign. Review status: criteria provided, multiple submitters, no conflicts (2 of 4 stars). 2 submissions from 2 submitters: Likely benign (2). Last evaluated 2025-04-01.

Allele frequency attached by ClinVar (database versions not stated): gnomAD exomes below 0.00001; TOPMed 0.00002.
gnomAD v4.1: 1 of 1,498,682 alleles (0.000067%); highest among the groups gnomAD compares: Admixed American, 0.0017%; no homozygotes.

Submissions (2):

Women's Health and Genetics/Laboratory Corporation of America, LabCorp
Classification: Likely benign. Last evaluated: 2025-04-01. Review status: criteria provided, single submitter. Criteria: LabCorp Variant Classification Summary - May 2015. Collection method: clinical testing. Allele origin: germline.
Comment: Variant summary: KMT2C c.250+16A>G alters a non-conserved nucleotide located at a position not widely known to affect splicing. Consensus agreement among computation tools predict no significant impact on normal splicing. However, these predictions have yet to be confirmed by functional studies. The variant was absent in 248996 control chromosomes. The available data on variant occurrences in the general population are insufficient to allow any conclusion about variant significance. To our knowledge, no occurrence of c.250+16A>G in individuals affected with Kleefstra Syndrome 2 and no experimental evidence demonstrating its impact on protein function have been reported. ClinVar contains an entry for this variant (Variation ID: 1921176). Based on the evidence outlined above, the variant was classified as likely benign.

Labcorp Genetics (formerly Invitae), Labcorp
Classification: Likely benign. Last evaluated: 2022-08-29. Review status: criteria provided, single submitter. Criteria: Invitae Variant Classification Sherloc (09022015). Collection method: clinical testing. Allele origin: germline.